The following is an entry in ClinVar:

NM_201253.3(CRB1):c.3406G>A (p.Gly1136Ser)

Gene: CRB1 (crumbs cell polarity complex component 1; plus strand). Cytogenetic location: 1q31.3.
Variant type: single nucleotide variant.
Coding change: c.3406G>A on transcript NM_201253.3 (MANE Select); coding-DNA position 3406, G replaced by A.
Protein change: p.Gly1136Ser; replaces glycine 1136 with serine.
Molecular consequence: missense variant. On other transcripts: non-coding transcript variant (2), intron variant (1).
Genome position (GRCh38, 1-based): chr1:197,435,269, G>A. VCF-style: chr1-197435269-G-A. GRCh37 (hg19) VCF-style: chr1-197404399-G-A.
Other names: c.3406G>A (NM_201253.2); c.3070G>A, p.Gly1024Ser (NM_001193640.2); c.3334G>A, p.Gly1112Ser (NM_001257965.2); c.2129-331G>A (NM_001257966.2); short protein forms G1136S, G1024S, G1112S.
Identifiers: ClinVar variation 2028789 (VCV002028789.2), dbSNP rs1166940272, ClinGen allele CA344047618.

ClinVar aggregate classification (germline): Uncertain significance. Review status: criteria provided, multiple submitters, no conflicts (2 of 4 stars). 2 submissions from 2 submitters: Uncertain significance (2). Last evaluated 2024-10-29.

Conditions:
Retinitis pigmentosa 12 (RP12). Also called: RP WITH OR WITHOUT PRESERVED PARAARTERIOLE RETINAL PIGMENT EPITHELIUM; RETINITIS PIGMENTOSA WITH OR WITHOUT PARAARTERIOLAR PRESERVATION OF RETINAL PIGMENT EPITHELIUM; RP WITH OR WITHOUT PPRPE. Identifiers: Orphanet 791, MedGen C1838647, MONDO:0010818, OMIM 600105.
Leber congenital amaurosis 8 (LCA8). Identifiers: Orphanet 65, MedGen C3151202, MONDO:0013453, OMIM 613835.
Inborn genetic diseases. Identifiers: MedGen C0950123, MeSH D030342.

Allele frequency attached by ClinVar (database versions not stated): gnomAD exomes below 0.00001; TOPMed 0.00010; gnomAD 0.00011.
gnomAD v4.1: 22 of 1,613,700 alleles (0.0014%); highest among the groups gnomAD compares: Admixed American, 0.035%; no homozygotes.

Submissions (2):

Ambry Genetics
Classification: Uncertain significance for Inborn genetic diseases. Last evaluated: 2024-10-29. Review status: criteria provided, single submitter. Criteria: Ambry Variant Classification Scheme 2023. Collection method: clinical testing. Allele origin: germline.

Labcorp Genetics (formerly Invitae), Labcorp
Classification: Uncertain significance for Leber congenital amaurosis 8; Retinitis pigmentosa 12. Last evaluated: 2022-05-06. Review status: criteria provided, single submitter. Criteria: Invitae Variant Classification Sherloc (09022015). Collection method: clinical testing. Allele origin: germline.
Comment: This sequence change replaces glycine, which is neutral and non-polar, with serine, which is neutral and polar, at codon 1136 of the CRB1 protein (p.Gly1136Ser). This variant is present in population databases (no rsID available, gnomAD 0.01%). This variant has not been reported in the literature in individuals affected with CRB1-related conditions. Advanced modeling of protein sequence and biophysical properties (such as structural, functional, and spatial information, amino acid conservation, physicochemical variation, residue mobility, and thermodynamic stability) performed at Invitae indicates that this missense variant is expected to disrupt CRB1 protein function. In summary, the available evidence is currently insufficient to determine the role of this variant in disease. Therefore, it has been classified as a Variant of Uncertain Significance.